The following is an entry in ClinVar:

NM_172364.5(CACNA2D4):c.2606C>T (p.Thr869Met)

Gene: CACNA2D4 (calcium voltage-gated channel auxiliary subunit alpha2delta 4; minus strand). Cytogenetic location: 12p13.33.
Variant type: single nucleotide variant.
Coding change: c.2606C>T on transcript NM_172364.5 (MANE Select); coding-DNA position 2606, C replaced by T.
Protein change: p.Thr869Met; replaces threonine 869 with methionine.
Molecular consequence: missense variant.
Genome position (GRCh38, 1-based): chr12:1,811,669, G>A on the plus strand (C>T on the coding strand, the complement: CACNA2D4 is on the minus strand). VCF-style: chr12-1811669-G-A. GRCh37 (hg19) VCF-style: chr12-1920835-G-A.
Other names: short protein forms T869M.
Identifiers: ClinVar variation 307844 (VCV000307844.16), dbSNP rs35331095, ClinGen allele CA6386296.

ClinVar aggregate classification (germline): Benign/Likely benign. Review status: criteria provided, multiple submitters, no conflicts (2 of 4 stars). 4 submissions from 4 submitters: Benign (3); Likely benign (1). Last evaluated 2026-02-01.

Conditions:
Retinal cone dystrophy 4 (RCD4). Identifiers: Orphanet 1872, MedGen C1864849, MONDO:0012507, OMIM 610478.

Allele frequency attached by ClinVar (database versions not stated): gnomAD exomes 0.00057 and 0.00133; ExAC 0.00246; ESP Exome Variant Server 0.00503; gnomAD 0.00575 and 0.00625; 1000 Genomes Project 0.00619; TOPMed 0.00635; 1000 Genomes Project 30x 0.00781.
gnomAD v4.1: 1,729 of 1,559,538 alleles (0.11%); highest among the groups gnomAD compares: African/African-American, 2%; 19 homozygotes.

Submissions (4):

Labcorp Genetics (formerly Invitae), Labcorp
Classification: Benign. Last evaluated: 2026-02-01. Review status: criteria provided, single submitter. Criteria: Invitae Variant Classification Sherloc (09022015). Collection method: clinical testing. Allele origin: germline.

Blueprint Genetics
Classification: Likely benign. Last evaluated: 2024-11-06. Review status: criteria provided, single submitter. Criteria: ACMG Guidelines, 2015. Collection method: clinical testing. Allele origin: germline.

Illumina Laboratory Services, Illumina
Classification: Benign for Retinal cone dystrophy 4. Last evaluated: 2018-01-12. Review status: criteria provided, single submitter. Criteria: ICSL Variant Classification Criteria 13 December 2019. Collection method: clinical testing. Allele origin: germline.
Comment: This variant was observed in the ICSL laboratory as part of a predisposition screen in an ostensibly healthy population. It had not been previously curated by ICSL or reported in the Human Gene Mutation Database (HGMD: prior to June 1st, 2018), and was therefore a candidate for classification through an automated scoring system. Utilizing variant allele frequency, disease prevalence and penetrance estimates, and inheritance mode, an automated score was calculated to assess if this variant is too frequent to cause the disease. Based on the score and internal cut-off values, a variant classified as benign is not then subjected to further curation. The score for this variant resulted in a classification of benign for this disease.

Breakthrough Genomics
Classification: Benign. Review status: criteria provided, single submitter. Criteria: ACMG Guidelines, 2015. Collection method: not provided. Allele origin: germline. Inheritance: Autosomal recessive inheritance. Affected: yes.